The following is an entry in ClinVar:

ClinVar aggregate classification (germline): Uncertain significance. Review status: criteria provided, multiple submitters, no conflicts (2 of 4 stars). 2 submissions from 2 submitters: Uncertain significance (2). Last evaluated 2024-03-15.

Conditions:
Hereditary cancer-predisposing syndrome. Also called: Hereditary neoplastic syndrome; Hereditary Cancer Syndrome; Tumor predisposition; Neoplastic Syndromes, Hereditary. Identifiers: Orphanet 140162, MedGen C0027672, MeSH D009386, MONDO:0015356.
Hereditary pheochromocytoma and paraganglioma. Also called: Hereditary pheochromocytoma-paraganglioma; Hereditary Paraganglioma-Pheochromocytoma Syndromes; Hereditary paragangliomas and pheochromocytomas. Identifiers: Orphanet 29072, MedGen C4274332, MONDO:0017366.

Submissions (2):

Ambry Genetics
Classification: Uncertain significance for Hereditary cancer-predisposing syndrome. Last evaluated: 2024-03-15. Review status: criteria provided, single submitter. Criteria: Ambry Variant Classification Scheme 2023. Collection method: clinical testing. Allele origin: germline.
Comment: The p.Q19H variant (also known as c.57A>C), located in coding exon 2 of the MAX gene, results from an A to C substitution at nucleotide position 57. The glutamine at codon 19 is replaced by histidine, an amino acid with highly similar properties. This amino acid position is well conserved in available vertebrate species. In addition, the in silico prediction for this alteration is inconclusive. Since supporting evidence is limited at this time, the clinical significance of this alteration remains unclear.

Labcorp Genetics (formerly Invitae), Labcorp
Classification: Uncertain significance for Hereditary pheochromocytoma and paraganglioma. Last evaluated: 2023-04-27. Review status: criteria provided, single submitter. Criteria: Invitae Variant Classification Sherloc (09022015). Collection method: clinical testing. Allele origin: germline.
Comment: This sequence change replaces glutamine, which is neutral and polar, with histidine, which is basic and polar, at codon 19 of the MAX protein (p.Gln19His). This variant is not present in population databases (gnomAD no frequency). In summary, the available evidence is currently insufficient to determine the role of this variant in disease. Therefore, it has been classified as a Variant of Uncertain Significance. An algorithm developed to predict the effect of missense changes on protein structure and function (PolyPhen-2) suggests that this variant is likely to be tolerated. ClinVar contains an entry for this variant (Variation ID: 1035736). This variant has not been reported in the literature in individuals affected with MAX-related conditions.

NM_002382.5(MAX):c.57A>C (p.Gln19His)

Gene: MAX (MYC associated transcriptional regulator X; minus strand). Cytogenetic location: 14q23.3.
Variant type: single nucleotide variant.
Coding change: c.57A>C on transcript NM_002382.5 (MANE Select); coding-DNA position 57, A replaced by C.
Protein change: p.Gln19His; replaces glutamine 19 with histidine.
Molecular consequence: missense variant. On other transcripts: intron variant (3), 5 prime UTR variant (1).
Genome position (GRCh38, 1-based): chr14:65,101,552, T>G on the plus strand (A>C on the coding strand, the complement: MAX is on the minus strand). VCF-style: chr14-65101552-T-G. GRCh37 (hg19) VCF-style: chr14-65568270-T-G.
Other names: c.36+752A>C (NM_001271069.2, NM_145112.3, NM_001271068.2); c.-218A>C (NM_001320415.2); c.57A>C, p.Gln19His (NM_145113.3, NM_145114.3, NM_197957.4); short protein forms Q19H.
Identifiers: ClinVar variation 1035736 (VCV001035736.12), dbSNP rs1395966308, ClinGen allele CA390038723.